The following is an entry in ClinVar:

NM_002470.4(MYH3):c.735T>G (p.Phe245Leu)

Gene: MYH3 (myosin heavy chain 3; minus strand). Cytogenetic location: 17p13.1.
Variant type: single nucleotide variant.
Coding change: c.735T>G on transcript NM_002470.4 (MANE Select); coding-DNA position 735, T replaced by G.
Protein change: p.Phe245Leu; replaces phenylalanine 245 with leucine.
Molecular consequence: missense variant.
Genome position (GRCh38, 1-based): chr17:10,648,557, A>C on the plus strand (T>G on the coding strand, the complement: MYH3 is on the minus strand). VCF-style: chr17-10648557-A-C. GRCh37 (hg19) VCF-style: chr17-10551874-A-C.
Other names: short protein forms F245L.
Identifiers: ClinVar variation 3387761 (VCV003387761.1).
Genomic context (GRCh38, chr17:10,648,557, plus strand): 5'-GGCTCTTGCCTATTTTGTGAGGCACAAAGCAAATTCCATCTTAACCAAACTCAGACTCAC[A>C]AAACGGGAGGAGTTGTCATTCCTCACAGTCTTGGCGTTCCCAAAGGCCTCCAGCAGGGGA-3'
Protein context (NP_002461.2, residues 235-255): KTVRNDNSSR[Phe245Leu]GKFIRIHFGT

ClinVar aggregate classification (germline): Uncertain significance (1 of 4 stars; one submission).

Conditions:
Arthrogryposis, distal, type 2B3. Also called: Arthrogryposis, distal, type 2B3 (Sheldon-Hall). Identifiers: MedGen C5193098, MONDO:0032751, OMIM 618436.

Submission:

Suma Genomics
Classification: Uncertain significance for Arthrogryposis, distal, type 2B3. Review status: criteria provided, single submitter. Criteria: ACMG Guidelines, 2015. Collection method: clinical testing. Allele origin: germline. Inheritance: Autosomal dominant inheritance. Affected: yes. Observed: 1 heterozygote.
Comment: A novel missense variant c.735T>G, p.(Phe245Leu) is observed in exon 8 of MYH3 in heterozygous state. This variant is not observed in the gnomAD database. In-silico analysis tool REVEL is consistent in predicting this variant to be disease-causing. ACMG classification: Uncertain significance Criteria met: PM2_Supporting and PP3